The following is an entry in ClinVar:

NM_000179.3(MSH6):c.670G>C (p.Glu224Gln)

Gene: MSH6 (mutS homolog 6; plus strand). Cytogenetic location: 2p16.3.
Variant type: single nucleotide variant.
Coding change: c.670G>C on transcript NM_000179.3 (MANE Select); coding-DNA position 670, G replaced by C.
Protein change: p.Glu224Gln; replaces glutamic acid 224 with glutamine.
Molecular consequence: missense variant. On other transcripts: 5 prime UTR variant (2).
Genome position (GRCh38, 1-based): chr2:47,798,653, G>C. VCF-style: chr2-47798653-G-C. GRCh37 (hg19) VCF-style: chr2-48025792-G-C.
Other names: c.280G>C, p.Glu94Gln (NM_001281492.2); c.-237G>C (NM_001281493.2, NM_001281494.2, NM_001406811.1 and 6 more transcripts); c.766G>C, p.Glu256Gln (NM_001406795.1, NM_001406802.1); c.670G>C, p.Glu224Gln (NM_001406796.1, NM_001406798.1, NM_001406800.1 and 4 more transcripts); c.373G>C, p.Glu125Gln (NM_001406797.1, NM_001406801.1, NM_001406818.1 and 10 more transcripts); c.145G>C, p.Glu49Gln (NM_001406799.1, NM_001406806.1, NM_001406807.1); c.592G>C, p.Glu198Gln (NM_001406804.1); c.676G>C, p.Glu226Gln (NM_001406813.1); and 1 more; short protein forms E125Q, E198Q, E226Q, E49Q, E224Q, E256Q, E94Q, E168Q.
Identifiers: ClinVar variation 1965045 (VCV001965045.7), dbSNP rs1060502933, ClinGen allele CA346739414.
Genomic context (GRCh38, chr2:47,798,653, plus strand): 5'-TCTTTCCTTGCCTGGCAGGTAGGCACAACTTACGTAACAGATAAGAGTGAAGAAGATAAT[G>C]AAATTGAGAGTGAAGAGGAAGTACAGCCTAAGACACAAGGATCTAGGCGAAGTAGCCGCC-3'
Protein context (NP_000170.1, residues 214-234): YVTDKSEEDN[Glu224Gln]IESEEEVQPK

ClinVar aggregate classification (germline): Uncertain significance. Review status: criteria provided, multiple submitters, no conflicts (2 of 4 stars). 2 submissions from 2 submitters: Uncertain significance (2). Last evaluated 2024-05-23.

Conditions:
Hereditary nonpolyposis colorectal neoplasms. Identifiers: MedGen C0009405, MeSH D003123.
Hereditary cancer-predisposing syndrome. Also called: Tumor predisposition; Hereditary Cancer Syndrome; Hereditary neoplastic syndrome; Neoplastic Syndromes, Hereditary. Identifiers: Orphanet 140162, MedGen C0027672, MeSH D009386, MONDO:0015356.

Allele frequency attached by ClinVar (database versions not stated): gnomAD exomes below 0.00001.
gnomAD v4.1: 3 of 1,613,132 alleles (0.00019%); highest among the groups gnomAD compares: Non-Finnish European, 0.00025%; no homozygotes.

Submissions (2):

Labcorp Genetics (formerly Invitae), Labcorp
Classification: Uncertain significance for Hereditary nonpolyposis colorectal neoplasms. Last evaluated: 2024-05-23. Review status: criteria provided, single submitter. Criteria: Invitae Variant Classification Sherloc (09022015). Collection method: clinical testing. Allele origin: germline.
Comment: This sequence change replaces glutamic acid, which is acidic and polar, with glutamine, which is neutral and polar, at codon 224 of the MSH6 protein (p.Glu224Gln). This variant is not present in population databases (gnomAD no frequency). This variant has not been reported in the literature in individuals affected with MSH6-related conditions. ClinVar contains an entry for this variant (Variation ID: 1965045). Advanced modeling of protein sequence and biophysical properties (such as structural, functional, and spatial information, amino acid conservation, physicochemical variation, residue mobility, and thermodynamic stability) performed at Invitae indicates that this missense variant is not expected to disrupt MSH6 protein function with a negative predictive value of 95%. In summary, the available evidence is currently insufficient to determine the role of this variant in disease. Therefore, it has been classified as a Variant of Uncertain Significance.

Ambry Genetics
Classification: Uncertain significance for Hereditary cancer-predisposing syndrome. Last evaluated: 2023-06-15. Review status: criteria provided, single submitter. Criteria: Ambry Variant Classification Scheme 2023. Collection method: clinical testing. Allele origin: germline.
Comment: The p.E224Q variant (also known as c.670G>C), located in coding exon 4 of the MSH6 gene, results from a G to C substitution at nucleotide position 670. The glutamic acid at codon 224 is replaced by glutamine, an amino acid with highly similar properties. This amino acid position is conserved. In addition, this alteration is predicted to be tolerated by in silico analysis. Since supporting evidence is limited at this time, the clinical significance of this alteration remains unclear.